The following is an entry in ClinVar:

ClinVar aggregate classification (germline): Uncertain significance (1 of 4 stars; one submission).

Conditions:
Eichsfeld type congenital muscular dystrophy (CMYO3). Also called: MYOPATHY, SEPN1-RELATED; SELENON-related myopathy; Congenital myopathy 3 with rigid spine; Rigid spine muscular dystrophy 1. Identifiers: MedGen C0410180, MONDO:0100100, OMIM 602771.

Allele frequency attached by ClinVar (database versions not stated): gnomAD exomes 0.00001; ExAC 0.00003.

Submission:

Broad Center for Mendelian Genomics, Broad Institute of MIT and Harvard
Classification: Uncertain significance. Last evaluated: 2023-01-24. Review status: criteria provided, single submitter. Criteria: ACMG Guidelines, 2015. Collection method: curation. Allele origin: germline. Inheritance: Autosomal recessive inheritance.
Comment: The p.Ala274Pro variant in SELENON has been reported in 4 individuals with SELENON-RM (PMID: 23394784) and has been identified in 0.0098% (3/30598) of South Asian chromosomes by the Genome Aggregation Database (gnomAD; dbSNP ID: rs762663129). Although this variant has been seen in the general population in a heterozygous state, its frequency is low enough to be consistent with a recessive carrier frequency. Of the 4 affected individuals, all were homozygotes, which increases the likelihood that the p.Ala274Pro variant is pathogenic (PMID: 23394784). Computational prediction tools and conservation analyses do not provide strong support for or against an impact to the protein. In summary, the clinical significance of the p.Ala274Pro variant is uncertain. ACMG/AMP Criteria applied: PM2_supporting, PM3 (Richards 2015).

NM_206926.2(SELENON):c.718G>C (p.Ala240Pro)

Gene: SELENON (selenoprotein N; plus strand). Cytogenetic location: 1p36.11.
Variant type: single nucleotide variant.
Coding change: c.718G>C on transcript NM_206926.2 (MANE Select); coding-DNA position 718, G replaced by C.
Protein change: p.Ala240Pro; replaces alanine 240 with proline.
Molecular consequence: missense variant.
Genome position (GRCh38, 1-based): chr1:25,809,098, G>C. VCF-style: chr1-25809098-G-C. GRCh37 (hg19) VCF-style: chr1-26135589-G-C.
Other names: NM_206926.2:c.718G>C; c.820G>C, p.Ala274Pro (NM_020451.3); short protein forms A274P, A240P.
Identifiers: ClinVar variation 2412645 (VCV002412645.1), dbSNP rs762663129, ClinGen allele CA696649.